The following is an entry in ClinVar:

ClinVar aggregate classification (germline): Uncertain significance. Review status: criteria provided, multiple submitters, no conflicts (2 of 4 stars). 2 submissions from 2 submitters: Uncertain significance (2). Last evaluated 2024-04-20.

Conditions:
Pierson syndrome. Also called: MICROCORIA-CONGENITAL NEPHROTIC SYNDROME. Identifiers: Orphanet 2670, MedGen C1836876, MONDO:0012184, OMIM 609049.
LAMB2-related infantile-onset nephrotic syndrome. Also called: NEPHROTIC SYNDROME, TYPE 5, WITHOUT OCULAR ABNORMALITIES; NEPHROTIC SYNDROME, TYPE 5, WITH OCULAR ABNORMALITIES; Nephrotic Syndrome, type 5. Identifiers: Orphanet 306507, MedGen C3280113, MONDO:0013621, OMIM 614199.

Submissions (2):

Fulgent Genetics
Classification: Uncertain significance for Pierson syndrome; LAMB2-related infantile-onset nephrotic syndrome. Last evaluated: 2024-04-20. Review status: criteria provided, single submitter. Criteria: ACMG Guidelines, 2015. Collection method: clinical testing. Allele origin: germline.

Labcorp Genetics (formerly Invitae), Labcorp
Classification: Uncertain significance for LAMB2-related infantile-onset nephrotic syndrome; Pierson syndrome. Last evaluated: 2021-04-03. Review status: criteria provided, single submitter. Criteria: Invitae Variant Classification Sherloc (09022015). Collection method: clinical testing. Allele origin: germline.
Comment: In summary, the available evidence is currently insufficient to determine the role of this variant in disease. Therefore, it has been classified as a Variant of Uncertain Significance. Algorithms developed to predict the effect of missense changes on protein structure and function (SIFT, PolyPhen-2, Align-GVGD) all suggest that this variant is likely to be disruptive, but these predictions have not been confirmed by published functional studies and their clinical significance is uncertain. This variant has not been reported in the literature in individuals with LAMB2-related conditions. This variant is not present in population databases (ExAC no frequency). This sequence change replaces cysteine with phenylalanine at codon 877 of the LAMB2 protein (p.Cys877Phe). The cysteine residue is highly conserved and there is a large physicochemical difference between cysteine and phenylalanine.

NM_002292.4(LAMB2):c.2630G>T (p.Cys877Phe)

Genes: LAMB2 (laminin subunit beta 2; minus strand), LOC129936738 (ATAC-STARR-seq lymphoblastoid active region 19855; plus strand). Cytogenetic location: 3p21.31.
Variant type: single nucleotide variant.
Coding change: c.2630G>T on transcript NM_002292.4 (MANE Select); coding-DNA position 2630, G replaced by T.
Protein change: p.Cys877Phe; replaces cysteine 877 with phenylalanine.
Molecular consequence: missense variant.
Genome position (GRCh38, 1-based): chr3:49,125,343, C>A on the plus strand (G>T on the coding strand, the complement: LAMB2 is on the minus strand). VCF-style: chr3-49125343-C-A. GRCh37 (hg19) VCF-style: chr3-49162776-C-A.
Other names: short protein forms C877F.
Identifiers: ClinVar variation 1445910 (VCV001445910.10), dbSNP rs2107639559, ClinGen allele CA352719014.